The following is an entry in ClinVar:

ClinVar aggregate classification (germline): Conflicting classifications of pathogenicity. Review status: criteria provided, conflicting classifications (1 of 4 stars). 5 submissions from 5 submitters: Likely pathogenic (1); Uncertain significance (4). Last evaluated 2025-12-29.

Conditions:
ATL1-related disorder. Also called: ATL1-related condition.
Inborn genetic diseases. Identifiers: MedGen C0950123, MeSH D030342.
Hereditary spastic paraplegia 3A (SPG3A). Also called: Spastic Paraplegia 3A; SPASTIC PARAPLEGIA 3, AUTOSOMAL DOMINANT; FAMILIAL SPASTIC PARAPLEGIA, AUTOSOMAL DOMINANT, 1; SPG3; STRUMPELL DISEASE; Spastic paraplegia 3A, autosomal dominant. Identifiers: Orphanet 100984, MedGen C2931355, MONDO:0008437, OMIM 182600.

Allele frequency attached by ClinVar (database versions not stated): gnomAD exomes 0.00001 and 0.00004; ExAC 0.00003; gnomAD 0.00005 and 0.00006; TOPMed 0.00006; ESP Exome Variant Server 0.00015.

Submissions (5):

Labcorp Genetics (formerly Invitae), Labcorp
Classification: Likely pathogenic for Hereditary spastic paraplegia 3A. Last evaluated: 2025-12-29. Review status: criteria provided, single submitter. Criteria: Invitae Variant Classification Sherloc (09022015). Collection method: clinical testing. Allele origin: germline.
Comment: This sequence change replaces valine, which is neutral and non-polar, with methionine, which is neutral and non-polar, at codon 360 of the ATL1 protein (p.Val360Met). This variant is present in population databases (rs373267047, gnomAD 0.008%). This missense change has been observed in individuals with clinical features of autosomal dominant ATL1-related conditions (internal data). ClinVar contains an entry for this variant (Variation ID: 390443). Invitae Evidence Modeling of protein sequence and biophysical properties (such as structural, functional, and spatial information, amino acid conservation, physicochemical variation, residue mobility, and thermodynamic stability) has been performed for this missense variant. However, the output from this modeling did not meet the statistical confidence thresholds required to predict the impact of this variant on ATL1 protein function. In summary, the currently available evidence indicates that the variant is pathogenic, but additional data are needed to prove that conclusively. Therefore, this variant has been classified as Likely Pathogenic.

PreventionGenetics, part of Exact Sciences
Classification: Uncertain significance for ATL1-related condition. Last evaluated: 2025-10-17. Review status: criteria provided, single submitter. Criteria: ACMG Guidelines, 2015. Collection method: clinical testing. Allele origin: germline.
Comment: The ATL1 c.1078G>A variant is predicted to result in the amino acid substitution p.Val360Met. To our knowledge, this variant has not been reported in the literature. This variant is reported in 0.0085% of alleles in individuals of European (non-Finnish) descent in gnomAD. At this time, the clinical significance of this variant is uncertain due to the absence of conclusive functional and genetic evidence.

GeneDx
Classification: Uncertain significance. Last evaluated: 2022-03-09. Review status: criteria provided, single submitter. Criteria: GeneDx Variant Classification Process June 2021. Collection method: clinical testing. Allele origin: germline. Affected: yes.
Comment: In silico analysis supports that this missense variant does not alter protein structure/function; Has not been previously published as pathogenic or benign to our knowledge

Mayo Clinic Laboratories, Mayo Clinic
Classification: Uncertain significance. Last evaluated: 2021-12-30. Review status: criteria provided, single submitter. Criteria: ACMG Guidelines, 2015. Collection method: clinical testing. Allele origin: germline.

Ambry Genetics
Classification: Uncertain significance for Inborn genetic diseases. Last evaluated: 2021-02-22. Review status: criteria provided, single submitter. Criteria: Ambry Variant Classification Scheme 2023. Collection method: clinical testing. Allele origin: germline.
Comment: The p.V360M variant (also known as c.1078G>A), located in coding exon 11 of the ATL1 gene, results from a G to A substitution at nucleotide position 1078. The valine at codon 360 is replaced by methionine, an amino acid with highly similar properties. This amino acid position is highly conserved in available vertebrate species. In addition, the in silico prediction for this alteration is inconclusive. Based on the supporting evidence, this variant is unlikely to be causative of autosomal dominant spastic paraplegia 3A (SPG3A) or hereditary sensory neuropathy type ID (HSN1D); however, its contribution to the development of autosomal recessive spastic paraplegia 3A is uncertain.

NM_015915.5(ATL1):c.1078G>A (p.Val360Met)

Gene: ATL1 (atlastin GTPase 1; plus strand). Cytogenetic location: 14q22.1.
Variant type: single nucleotide variant.
Coding change: c.1078G>A on transcript NM_015915.5 (MANE Select); coding-DNA position 1078, G replaced by A.
Protein change: p.Val360Met; replaces valine 360 with methionine.
Molecular consequence: missense variant.
Genome position (GRCh38, 1-based): chr14:50,623,207, G>A. VCF-style: chr14-50623207-G-A. GRCh37 (hg19) VCF-style: chr14-51089925-G-A.
Other names: p.Val360Met; c.1078G>A, p.Val360Met (NM_001127713.1, NM_181598.4); short protein forms V360M.
Identifiers: ClinVar variation 390443 (VCV000390443.19), dbSNP rs373267047, ClinGen allele CA7180418.